The following is an entry in ClinVar:

ClinVar aggregate classification (germline): Pathogenic. Review status: reviewed by expert panel (3 of 4 stars). 10 submissions from 10 submitters: Pathogenic (1). 9 of the submissions do not count toward it. Last evaluated 2026-07-20.

Conditions:
CEP290-related ciliopathy. Also called: CEP290 ciliopathy. Identifiers: MedGen CN305601, MONDO:0100451.
Nephronophthisis. Also called: Juvenile Nephronophthisis. Identifiers: Orphanet 655, MedGen C0687120, MONDO:0019005, HP:0000090.
Meckel-Gruber syndrome. Also called: DYSENCEPHALIA SPLANCHNOCYSTICA; GRUBER SYNDROME; Dysencephalia splachnocystica. Identifiers: Orphanet 564, MedGen C0265215, MONDO:0018921.
Joubert syndrome. Also called: Familial aplasia of the vermis; JOUBERT-BOLTSHAUSER SYNDROME. Identifiers: Orphanet 475, MedGen C5979921, MONDO:0018772.
CEP290-related disorder. Also called: CEP290-related condition; CEP290-related disorders. Identifiers: MedGen CN239314.
Retinal dystrophy. Also called: Inherited retinal dystrophy. Identifiers: Orphanet 71862, MedGen C0854723, MeSH D058499, MONDO:0019118, HP:0000556.
Bardet-Biedl syndrome 14 (BBS14). Identifiers: Orphanet 110, MedGen C2673874, MONDO:0014442, OMIM 615991.
Leber congenital amaurosis 10 (LCA10). Identifiers: Orphanet 65, MedGen C1857821, MONDO:0012723, OMIM 611755.
Joubert syndrome 5 (JBTS5). Identifiers: Orphanet 2318, MedGen C1857780, MONDO:0012432, OMIM 610188.
Senior-Loken syndrome 6 (SLSN6). Identifiers: Orphanet 3156, MedGen C1857779, MONDO:0012433, OMIM 610189.
Meckel syndrome, type 4 (MKS4). Also called: MECKEL-GRUBER SYNDROME, TYPE 4. Identifiers: Orphanet 564, MedGen C1970161, MONDO:0012626, OMIM 611134.
Leber congenital amaurosis (LCA). Also called: Leber's amaurosis. Identifiers: Orphanet 65, MedGen C0339527, MeSH D057130, MONDO:0018998.

Allele frequency attached by ClinVar (database versions not stated): gnomAD 0.00001; TOPMed 0.00001.

Submissions (10):

ClinGen Leber Congenital Amaurosis/early Onset Retinal Dystrophy Variant Curation Expert Panel, ClinGen
Classification: Pathogenic for CEP290-related ciliopathy. Last evaluated: 2026-07-20. Review status: reviewed by expert panel. Criteria: ClinGen LCAeoRD ACMG Specifications CEP290 V1.0.0. Collection method: curation. Allele origin: germline. Inheritance: Autosomal recessive inheritance.
Comment: NM_025114.4(CEP290):c.297+1G>T disrupts a canonical splice site in intron 5 and is predicted to lead to skipping of a critical exon. The subsequent frameshift is predicted to lead to nonsense-mediated decay in a gene in which loss-of-function is an established mechanism of disease (PVS1). This variant is present in gnomAD v4.1.1 at a total allele frequency of 0.0000008567, with 1 allele / 1,167,246 total alleles, which is lower than the ClinGen LCA/eoRD VCEP PM2_Supporting threshold of <0.0006 (PM2_Supporting). At least one proband harboring this variant exhibits a phenotype including diagnosis of Leber congenital amaurosis (0.5 pts) and severely reduced or extinguished electroretinogram responses (0.5 pts), with genotyping by whole exome sequencing (4 pts), which together are specific for CEP290-related ciliopathy (total 5 points, PMID: 27375279, PP4). In summary, this variant meets the criteria to be classified as Pathogenic for CEP290-related ciliopathy based on the ACMG/AMP criteria applied, as specified by the ClinGen LCA/eoRD VCEP: PVS1, PM2_Supporting, and PP4. (LCA/eoRD VCEP Specifications for CEP290 Version 1.0.0)

PreventionGenetics, part of Exact Sciences
Classification: Pathogenic for CEP290-related condition. Last evaluated: 2025-06-18. Review status: criteria provided, single submitter. Criteria: ACMG Guidelines, 2015. Collection method: clinical testing. Allele origin: germline. Not counted in ClinVar's aggregate classification.
Comment: The CEP290 c.297+1G>T variant is predicted to disrupt the GT donor site and interfere with normal splicing. This variant has been reported in individuals with CEP290-related conditions (Wang et al. 2014. PubMed ID: 25097241; Srivastava et al. 2017. PubMed ID: 28973549; Wang et al. 2023. PubMed ID: 36990420). An alternate nucleotide change impacting this splice donor site (c.297+2T>C) has been reported in individuals with CEP290-related disorders (Eckmann-Scholz et al. 2012. PubMed ID: 22699515). This variant has not been reported in a large population database, indicating this variant is rare. Variants that disrupt the consensus splice donor site in CEP290 are expected to be pathogenic. This variant is interpreted as pathogenic.

Natera, Inc.
Classification: Pathogenic for Leber congenital amaurosis. Last evaluated: 2025-05-02. Review status: criteria provided, single submitter. Criteria: Natera Variant Classification Schema (03/2026). Collection method: clinical testing. Allele origin: germline. Not counted in ClinVar's aggregate classification.
Comment: The c.297+1G>T variant in CEP290 is a canonical splice donor site variant predicted to affect pre-mRNA splicing, which may result in an abnormal transcript and altered protein product. This variant is expected to result in nonsense mediated decay, truncation, or a dysfunctional protein product. This variant is rare in the general population with a frequency below the threshold expected for the associated phenotype(s). This variant has been observed in one or more individuals affected with the associated recessive disease, as either homozygous or compound heterozygous with a second variant (PMID: 27375279). Given the available evidence, this variant is classified as Pathogenic.

Fulgent Genetics
Classification: Likely pathogenic for Joubert syndrome 5; Senior-Loken syndrome 6; Meckel syndrome, type 4; Leber congenital amaurosis 10; Bardet-Biedl syndrome 14. Last evaluated: 2024-03-13. Review status: criteria provided, single submitter. Criteria: ACMG Guidelines, 2015. Collection method: clinical testing. Allele origin: germline. Not counted in ClinVar's aggregate classification.

Labcorp Genetics (formerly Invitae), Labcorp
Classification: Pathogenic for Joubert syndrome; Meckel-Gruber syndrome; Nephronophthisis. Last evaluated: 2024-02-12. Review status: criteria provided, single submitter. Criteria: Invitae Variant Classification Sherloc (09022015). Collection method: clinical testing. Allele origin: germline. Not counted in ClinVar's aggregate classification.
Comment: This sequence change affects a donor splice site in intron 5 of the CEP290 gene. It is expected to disrupt RNA splicing. Variants that disrupt the donor or acceptor splice site typically lead to a loss of protein function (PMID: 16199547), and loss-of-function variants in CEP290 are known to be pathogenic (PMID: 16909394, 17345604, 20690115). This variant is not present in population databases (gnomAD no frequency). Disruption of this splice site has been observed in individuals with CEP290-related conditions (PMID: 22699515, 25097241, 28973549). ClinVar contains an entry for this variant (Variation ID: 236464). Algorithms developed to predict the effect of sequence changes on RNA splicing suggest that this variant may disrupt the consensus splice site. For these reasons, this variant has been classified as Pathogenic.

Baylor Genetics
Classification: Pathogenic for Bardet-Biedl syndrome 14. Last evaluated: 2024-01-17. Review status: criteria provided, single submitter. Criteria: ACMG Guidelines, 2015. Collection method: clinical testing. Allele origin: unknown. Not counted in ClinVar's aggregate classification.

Women's Health and Genetics/Laboratory Corporation of America, LabCorp
Classification: Pathogenic for Meckel syndrome, type 4. Last evaluated: 2023-02-15. Review status: criteria provided, single submitter. Criteria: LabCorp Variant Classification Summary - May 2015. Collection method: clinical testing. Allele origin: germline. Not counted in ClinVar's aggregate classification.
Comment: Variant summary: CEP290 c.297+1G>T is located in a canonical splice-site and is predicted to affect mRNA splicing resulting in a significantly altered protein due to either exon skipping, shortening, or inclusion of intronic material. Several computational tools predict a significant impact on normal splicing: Three predict the variant abolishes a 5 splicing donor site. However, these predictions have yet to be confirmed by functional studies. The variant was absent in 144540 control chromosomes. c.297+1G>T has been reported in the literature in individuals affected with CEP290-related disorders. These data indicate that the variant may be associated with disease. Three clinical diagnostic laboratories have submitted clinical-significance assessments for this variant to ClinVar after 2014 without evidence for independent evaluation. All laboratories classified the variant as pathogenic. Based on the evidence outlined above, the variant was classified as pathogenic.

Revvity Omics, Revvity
Classification: Pathogenic. Last evaluated: 2020-12-31. Review status: criteria provided, single submitter. Criteria: ACMG Guidelines, 2015. Collection method: clinical testing. Allele origin: germline. Not counted in ClinVar's aggregate classification.

Blueprint Genetics
Classification: Pathogenic for CEP290-related disorders. Last evaluated: 2020-09-18. Review status: criteria provided, single submitter. Criteria: ACMG Guidelines, 2015. Collection method: clinical testing. Allele origin: germline. Affected: yes. Observed: 1 variant allele. Not counted in ClinVar's aggregate classification.

Centre for Genomic Medicine, Manchester, Central Manchester University Hospitals
Classification: Uncertain significance for Retinal dystrophy. Review status: no assertion criteria provided. Collection method: clinical testing. Allele origin: germline. Affected: yes. Not counted in ClinVar's aggregate classification.

Literature cited by the submitters: PubMed 27375279 (cited by Natera, Inc. and Women's Health and Genetics/Laboratory Corporation of America, LabCorp); PubMed 16199547 (cited by Labcorp Genetics (formerly Invitae), Labcorp); PubMed 16909394 (cited by Labcorp Genetics (formerly Invitae), Labcorp); PubMed 17345604 (cited by Labcorp Genetics (formerly Invitae), Labcorp); PubMed 20690115 (cited by Labcorp Genetics (formerly Invitae), Labcorp); PubMed 22699515 (cited by Labcorp Genetics (formerly Invitae), Labcorp); PubMed 25097241 (cited by Labcorp Genetics (formerly Invitae), Labcorp and Women's Health and Genetics/Laboratory Corporation of America, LabCorp); PubMed 28973549 (cited by Labcorp Genetics (formerly Invitae), Labcorp).

NM_025114.4(CEP290):c.297+1G>T

Gene: CEP290 (centrosomal protein 290; minus strand). Cytogenetic location: 12q21.32.
Variant type: single nucleotide variant.
Coding change: c.297+1G>T on transcript NM_025114.4 (MANE Select); the canonical splice donor site of the intron after coding-DNA position 297, G replaced by T.
Molecular consequence: splice donor variant.
Genome position (GRCh38, 1-based): chr12:88,139,144, C>A on the plus strand (G>T on the coding strand, the complement: CEP290 is on the minus strand). VCF-style: chr12-88139144-C-A. GRCh37 (hg19) VCF-style: chr12-88532921-C-A.
Identifiers: ClinVar variation 236464 (VCV000236464.22), dbSNP rs878853360, ClinGen allele CA10581686.
Genomic context (GRCh38, chr12:88,139,144, plus strand): 5'-TGAAAACAATTCAAAATAAAATTAATGACAATTACATCCTAGGGAATACAAAAAGACATA[C>A]CTCCAGTTCATTTTCCAGTTTCATTACTTTAGTTTTTAATTGATTTTCTATTTTTTTAAA-3'